The following is an entry in ClinVar:

NM_000388.4(CASR):c.850G>A (p.Val284Ile)

Gene: CASR (calcium sensing receptor; plus strand). Cytogenetic location: 3q21.1.
Variant type: single nucleotide variant.
Coding change: c.850G>A on transcript NM_000388.4 (MANE Select); coding-DNA position 850, G replaced by A.
Protein change: p.Val284Ile; replaces valine 284 with isoleucine.
Molecular consequence: missense variant.
Genome position (GRCh38, 1-based): chr3:122,261,885, G>A. VCF-style: chr3-122261885-G-A. GRCh37 (hg19) VCF-style: chr3-121980732-G-A.
Other names: c.850G>A, p.Val284Ile (NM_001178065.2); short protein forms V284I.
Identifiers: ClinVar variation 2923048 (VCV002923048.3), dbSNP rs2473226792, ClinGen allele CA354151488.
Genomic context (GRCh38, chr3:122,261,885, plus strand): 5'-GCCAAAGTCATCGTGGTTTTCTCCAGTGGCCCAGATCTTGAGCCCCTCATCAAGGAGATT[G>A]TCCGGCGCAATATCACGGGCAAGATCTGGCTGGCCAGCGAGGCCTGGGCCAGCTCCTCCC-3'
Protein context (NP_000379.3, residues 274-294): PDLEPLIKEI[Val284Ile]RRNITGKIWL

ClinVar aggregate classification (germline): Uncertain significance (1 of 4 stars; one submission).

Conditions:
Autosomal dominant hypocalcemia 1 (HYPOC1). Also called: HYPOCALCEMIA, FAMILIAL. Identifiers: MedGen C3715128, MONDO:0011013, OMIM 601198.
Familial hypocalciuric hypercalcemia (FHH). Also called: Familial benign hypercalcemia. Identifiers: Orphanet 405, MedGen C1809471, MONDO:0018458.

Submission:

Labcorp Genetics (formerly Invitae), Labcorp
Classification: Uncertain significance for Familial hypocalciuric hypercalcemia; Autosomal dominant hypocalcemia 1. Last evaluated: 2023-04-15. Review status: criteria provided, single submitter. Criteria: Invitae Variant Classification Sherloc (09022015). Collection method: clinical testing. Allele origin: germline.
Comment: This variant is not present in population databases (gnomAD no frequency). This sequence change replaces valine, which is neutral and non-polar, with isoleucine, which is neutral and non-polar, at codon 284 of the CASR protein (p.Val284Ile). This variant has not been reported in the literature in individuals affected with CASR-related conditions. In summary, the available evidence is currently insufficient to determine the role of this variant in disease. Therefore, it has been classified as a Variant of Uncertain Significance. An algorithm developed to predict the effect of missense changes on protein structure and function (PolyPhen-2) suggests that this variant is likely to be disruptive.